The following is an entry in ClinVar:

ClinVar aggregate classification (germline): Pathogenic (1 of 4 stars; one submission).

Submission:

GeneDx
Classification: Pathogenic. Last evaluated: 2012-11-01. Review status: criteria provided, single submitter. Criteria: GeneDx Variant Classification (06012015). Collection method: clinical testing. Allele origin: germline. Affected: yes.
Comment: p.Gln891Stop (CAA>TAA): c.2671 C>T in exon 22 of the FBN1 gene (NM_000138.4)The Gln891Stop mutation in the FBN1 gene has not been reported as a disease-causing mutation or as benign polymorphism to our knowledge. Gln891Stop is predicted to cause loss of normal protein function either by protein truncation or nonsense-mediated mRNA decay. Other nonsense mutations in the FBN1 gene have been reported in association with Marfan syndrome. In summary, Gln891Stop in the FBN1 gene is interpreted as a disease-causing mutation. The variant is found in TAAD panel(s).

NM_000138.5(FBN1):c.2671C>T (p.Gln891Ter)

Gene: FBN1 (fibrillin 1; minus strand). Cytogenetic location: 15q21.1.
Variant type: single nucleotide variant.
Coding change: c.2671C>T on transcript NM_000138.5 (MANE Select); coding-DNA position 2671, C replaced by T.
Protein change: p.Gln891Ter; replaces glutamine 891 with a stop codon.
Molecular consequence: nonsense.
Genome position (GRCh38, 1-based): chr15:48,495,129, G>A on the plus strand (C>T on the coding strand, the complement: FBN1 is on the minus strand). VCF-style: chr15-48495129-G-A. GRCh37 (hg19) VCF-style: chr15-48787326-G-A.
Other names: p.Q891X:CAA>TAA; short protein forms Q891*.
Identifiers: ClinVar variation 200002 (VCV000200002.2), dbSNP rs794728196, ClinGen allele CA013292.